The following is an entry in ClinVar:

ClinVar aggregate classification (germline): Uncertain significance (1 of 4 stars; one submission).

Allele frequency attached by ClinVar (database versions not stated): gnomAD exomes 0.00001; gnomAD 0.00003; TOPMed below 0.00001.
gnomAD v4.1: 18 of 1,614,096 alleles (0.0011%); highest among the groups gnomAD compares: Non-Finnish European, 0.0015%; no homozygotes.

Submission:

GeneDx
Classification: Uncertain significance. Last evaluated: 2017-01-11. Review status: criteria provided, single submitter. Criteria: GeneDx Variant Classification (06012015). Collection method: clinical testing. Allele origin: germline. Affected: yes.
Comment: A variant of uncertain significance has been identified in the STIL gene. The H978P variant has not been published as a pathogenic variant, nor has it been reported as a benign variant to our knowledge. The H978P variant is not observed in large population cohorts (Lek et al., 2016; 1000 Genomes Consortium et al., 2015; Exome Variant Server). The H978P variant is a non-conservative amino acid substitution, which is likely to impact secondary protein structure as these residues differ in polarity, charge, size and/or other properties. However, this substitution occurs at a position that is not conserved. In silico analysis is inconsistent in its predictions as to whether or not the variant is damaging to the protein structure/function. Therefore, based on the currently available information, it is unclear whether this variant is a pathogenic variant or a rare benign variant.

NM_001048166.1(STIL):c.2936A>C (p.His979Pro)

Gene: STIL (STIL centriolar assembly protein; minus strand). Cytogenetic location: 1p33.
Variant type: single nucleotide variant.
Coding change: c.2936A>C on transcript NM_001048166.1 (MANE Select); coding-DNA position 2936, A replaced by C.
Protein change: p.His979Pro; replaces histidine 979 with proline.
Molecular consequence: missense variant.
Genome position (GRCh38, 1-based): chr1:47,260,433, T>G on the plus strand (A>C on the coding strand, the complement: STIL is on the minus strand). VCF-style: chr1-47260433-T-G. GRCh37 (hg19) VCF-style: chr1-47726105-T-G.
Other names: c.2933A>C, p.His978Pro (NM_001282936.1, NM_003035.2); c.2882A>C, p.His961Pro (NM_001282937.1); c.2795A>C, p.His932Pro (NM_001282938.1); c.2741A>C, p.His914Pro (NM_001282939.1); short protein forms H978P, H979P, H914P, H961P, H932P.
Identifiers: ClinVar variation 392708 (VCV000392708.2), dbSNP rs561250909, ClinGen allele CA16603752.
Genomic context (GRCh38, chr1:47,260,433, plus strand): 5'-GTTGCATTAAGGACACAATCTTTGTCCACCAGTCTTGAATGATGTGTTTTTTTCTTTGTA[T>G]GGTAAACGTTTTGGGTTCTGGTGCATTCATGACTGATAATTACTGCTTTGGTAGACGGCT-3'
Protein context (NP_001041631.1, residues 969-989): HECTRTQNVY[His979Pro]TKKKTHHSRL